The following is an entry in ClinVar:

ClinVar aggregate classification (germline): Uncertain significance. Review status: criteria provided, multiple submitters, no conflicts (2 of 4 stars). 2 submissions from 2 submitters: Uncertain significance (2). Last evaluated 2024-04-17.

Conditions:
Nephrolithiasis/nephrocalcinosis. Identifiers: MedGen CN580796.
Autosomal dominant hypocalcemia 1 (HYPOC1). Also called: HYPOCALCEMIA, FAMILIAL. Identifiers: MedGen C3715128, MONDO:0011013, OMIM 601198.
Familial hypocalciuric hypercalcemia (FHH). Also called: Familial benign hypercalcemia. Identifiers: Orphanet 405, MedGen C1809471, MONDO:0018458.

gnomAD v4.1: 10 of 1,613,658 alleles (0.00062%); highest among the groups gnomAD compares: South Asian, 0.0066%; no homozygotes.

Submissions (2):

Labcorp Genetics (formerly Invitae), Labcorp
Classification: Uncertain significance for Familial hypocalciuric hypercalcemia; Autosomal dominant hypocalcemia 1. Last evaluated: 2024-04-17. Review status: criteria provided, single submitter. Criteria: Invitae Variant Classification Sherloc (09022015). Collection method: clinical testing. Allele origin: germline.
Comment: This sequence change replaces threonine, which is neutral and polar, with methionine, which is neutral and non-polar, at codon 676 of the CASR protein (p.Thr676Met). This variant is present in population databases (rs768204447, gnomAD 0.007%). This variant has not been reported in the literature in individuals affected with CASR-related conditions. ClinVar contains an entry for this variant (Variation ID: 840054). An algorithm developed to predict the effect of missense changes on protein structure and function (PolyPhen-2) suggests that this variant is likely to be tolerated. In summary, the available evidence is currently insufficient to determine the role of this variant in disease. Therefore, it has been classified as a Variant of Uncertain Significance.

Ambry Genetics
Classification: Uncertain significance for Nephrolithiasis/nephrocalcinosis. Last evaluated: 2022-03-04. Review status: criteria provided, single submitter. Criteria: Ambry Variant Classification Scheme 2023. Collection method: clinical testing. Allele origin: germline.
Comment: The p.T676M variant (also known as c.2027C>T), located in coding exon 6 of the CASR gene, results from a C to T substitution at nucleotide position 2027. The threonine at codon 676 is replaced by methionine, an amino acid with similar properties. This amino acid position is conserved. In addition, this alteration is predicted to be deleterious by in silico analysis. Since supporting evidence is limited at this time, the clinical significance of this alteration remains unclear.

NM_000388.4(CASR):c.2027C>T (p.Thr676Met)

Gene: CASR (calcium sensing receptor; plus strand). Cytogenetic location: 3q21.1.
Variant type: single nucleotide variant.
Coding change: c.2027C>T on transcript NM_000388.4 (MANE Select); coding-DNA position 2027, C replaced by T.
Protein change: p.Thr676Met; replaces threonine 676 with methionine.
Molecular consequence: missense variant.
Genome position (GRCh38, 1-based): chr3:122,283,981, C>T. VCF-style: chr3-122283981-C-T. GRCh37 (hg19) VCF-style: chr3-122002828-C-T.
Other names: c.2057C>T, p.Thr686Met (NM_001178065.2); short protein forms T686M, T676M.
Identifiers: ClinVar variation 840054 (VCV000840054.10), dbSNP rs768204447, ClinGen allele CA2569769.
Genomic context (GRCh38, chr3:122,283,981, plus strand): 5'-TCTCCCTGCTCTGCTGCTTCTCCAGCTCCCTGTTCTTCATCGGGGAGCCCCAGGACTGGA[C>T]GTGCCGCCTGCGCCAGCCGGCCTTTGGCATCAGCTTCGTGCTCTGCATCTCATGCATCCT-3'
Protein context (NP_000379.3, residues 666-686): LFFIGEPQDW[Thr676Met]CRLRQPAFGI